The following is an entry in ClinVar:

ClinVar aggregate classification (germline): Likely benign (1 of 4 stars; one submission).

Conditions:
TUBA4A-related disorder. Also called: TUBA4A-related condition.

Submission:

PreventionGenetics, part of Exact Sciences
Classification: Likely benign for TUBA4A-related condition. Last evaluated: 2025-02-13. Review status: criteria provided, single submitter. Criteria: ACMG Guidelines, 2015. Collection method: clinical testing. Allele origin: germline.
Comment: This variant is classified as likely benign based on ACMG/AMP sequence variant interpretation guidelines (Richards et al. 2015 PMID: 25741868, with internal and published modifications).

NM_006000.3(TUBA4A):c.918T>C (p.Asp306=)

Gene: TUBA4A (tubulin alpha 4a; minus strand). Cytogenetic location: 2q35.
Variant type: single nucleotide variant.
Coding change: c.918T>C on transcript NM_006000.3 (MANE Select); coding-DNA position 918, T replaced by C.
Protein change: p.Asp306=; no amino-acid change (aspartic acid 306 retained).
Molecular consequence: synonymous variant.
Genome position (GRCh38, 1-based): chr2:219,250,781, A>G on the plus strand (T>C on the coding strand, the complement: TUBA4A is on the minus strand). VCF-style: chr2-219250781-A-G. GRCh37 (hg19) VCF-style: chr2-220115503-A-G.
Other names: c.873T>C, p.Asp291= (NM_001278552.2).
Identifiers: ClinVar variation 4989548 (VCV004989548.1).